The following is an entry in ClinVar:

ClinVar aggregate classification (germline): Uncertain significance (1 of 4 stars; one submission).

Conditions:
Hereditary cancer-predisposing syndrome. Also called: Hereditary neoplastic syndrome; Neoplastic Syndromes, Hereditary; Tumor predisposition; Hereditary Cancer Syndrome. Identifiers: Orphanet 140162, MedGen C0027672, MeSH D009386, MONDO:0015356.

Submission:

Ambry Genetics
Classification: Uncertain significance for Hereditary cancer-predisposing syndrome. Last evaluated: 2025-08-27. Review status: criteria provided, single submitter. Criteria: Ambry Variant Classification Scheme 2023. Collection method: clinical testing. Allele origin: germline.
Comment: The p.D540E variant (also known as c.1620T>A), located in coding exon 16 of the MUTYH gene, results from a T to A substitution at nucleotide position 1620. The aspartic acid at codon 540 is replaced by glutamic acid, an amino acid with highly similar properties. This amino acid position is conserved. In addition, this alteration is predicted to be tolerated by in silico analysis. Based on the available evidence, the clinical significance of this variant remains unclear.

NM_001048174.2(MUTYH):c.1536T>A (p.Asp512Glu)

Gene: MUTYH (mutY DNA glycosylase; minus strand). Cytogenetic location: 1p34.1.
Variant type: single nucleotide variant.
Coding change: c.1536T>A on transcript NM_001048174.2 (MANE Select); coding-DNA position 1536, T replaced by A.
Protein change: p.Asp512Glu; replaces aspartic acid 512 with glutamic acid.
Molecular consequence: missense variant. On other transcripts: non-coding transcript variant (7).
Genome position (GRCh38, 1-based): chr1:45,329,336, A>T on the plus strand (T>A on the coding strand, the complement: MUTYH is on the minus strand). VCF-style: chr1-45329336-A-T. GRCh37 (hg19) VCF-style: chr1-45795008-A-T.
Other names: c.1497T>A, p.Asp499Glu (NM_001407079.1); c.1494T>A, p.Asp498Glu (NM_001407080.1); c.1536T>A, p.Asp512Glu (NM_001407081.1, NM_001407088.1, NM_001407089.1 and 6 more transcripts); c.1191T>A, p.Asp397Glu (NM_001407082.1, NM_001350650.2, NM_001350651.2); c.1578T>A, p.Asp526Glu (NM_001407083.1, NM_001407085.1); c.1539T>A, p.Asp513Glu (NM_001407086.1, NM_001048172.2, NM_001407071.1 and 1 more transcripts); c.1557T>A, p.Asp519Glu (NM_001407087.1); c.1620T>A, p.Asp540Glu (NM_001128425.2); and 5 more; short protein forms D420E, D498E, D499E, D519E, D526E, D537E, D512E, D527E.
Identifiers: ClinVar variation 4113453 (VCV004113453.1).